The following is an entry in ClinVar:

NM_015705.6(SGSM3):c.1988+66G>A

Gene: SGSM3 (small G protein signaling modulator 3; plus strand). Cytogenetic location: 22q13.1.
Variant type: single nucleotide variant.
Coding change: c.1988+66G>A on transcript NM_015705.6 (MANE Select); 66 bases into the intron after coding-DNA position 1988, G replaced by A.
Molecular consequence: intron variant.
Genome position (GRCh38, 1-based): chr22:40,409,084, G>A. VCF-style: chr22-40409084-G-A. GRCh37 (hg19) VCF-style: chr22-40805088-G-A.
Other names: c.1988+66G>A (NM_001350039.2, NM_001350040.2, NM_001350041.2); c.1799+66G>A (NM_001350042.2, NM_001350045.2, NM_001350044.2); c.1490+66G>A (NM_001350048.2); c.1787+66G>A (NM_001350043.2, NM_001350046.2, NM_001350047.2); c.1721+66G>A (NM_001301849.2).
Identifiers: ClinVar variation 4854732 (VCV004854732.1).

ClinVar aggregate classification (germline): Uncertain significance (1 of 4 stars; one submission).

Conditions:
Intellectual developmental disorder, autosomal recessive 84. Identifiers: MedGen C6065961, MONDO:0980746, OMIM 620401.

gnomAD v4.1: 3 of 1,550,888 alleles (0.00019%); highest among the groups gnomAD compares: Non-Finnish European, 0.00017%; no homozygotes.

Submission:

3billion
Classification: Uncertain significance for Intellectual developmental disorder, autosomal recessive 84. Last evaluated: 2025-07-15. Review status: criteria provided, single submitter. Criteria: ACMG Guidelines, 2015. Collection method: clinical testing. Allele origin: germline. Affected: yes.
Comment: The variant is observed at an extremely low frequency in the gnomAD v4.1.0 dataset (total allele frequency: <0.001%). Predicted Consequence/Location: Intron variant In silico tools predict the variant to alter splicing and produce an abnormal transcript [SpliceAI: 0.10 (spliceogenicity >=0.2, non-spliceogenicity <0.1)]. Therefore, this variant is classified as VUS according to the recommendation of ACMG/AMP guideline.